The following is an entry in ClinVar:

ClinVar aggregate classification (germline): Likely benign. Review status: criteria provided, multiple submitters, no conflicts (2 of 4 stars). 3 submissions from 3 submitters: Likely benign (3). Last evaluated 2026-01-26.

Allele frequency attached by ClinVar (database versions not stated): TOPMed 0.00087; ESP Exome Variant Server 0.00093; gnomAD 0.00175.
gnomAD v4.1: 1,284 of 1,610,906 alleles (0.08%); highest among the groups gnomAD compares: Non-Finnish European, 0.096%; 6 homozygotes.

Submissions (3):

Labcorp Genetics (formerly Invitae), Labcorp
Classification: Likely benign. Last evaluated: 2026-01-26. Review status: criteria provided, single submitter. Criteria: Invitae Variant Classification Sherloc (09022015). Collection method: clinical testing. Allele origin: germline.

CeGaT Center for Human Genetics Tuebingen
Classification: Likely benign. Last evaluated: 2026-01-01. Review status: criteria provided, single submitter. Criteria: CeGaT Center For Human Genetics Tuebingen Variant Classification Criteria Version 2. Collection method: clinical testing. Allele origin: germline. Affected: yes. Observed: 9 variant alleles.
Comment: PLEKHG2: BP4, BP7

Blueprint Genetics
Classification: Likely benign. Last evaluated: 2024-11-20. Review status: criteria provided, single submitter. Criteria: ACMG Guidelines, 2015. Collection method: clinical testing. Allele origin: germline.

NM_022835.3(PLEKHG2):c.621G>C (p.Ser207=)

Gene: PLEKHG2 (pleckstrin homology and RhoGEF domain containing G2; plus strand). Cytogenetic location: 19q13.2.
Variant type: single nucleotide variant.
Coding change: c.621G>C on transcript NM_022835.3 (MANE Select); coding-DNA position 621, G replaced by C.
Protein change: p.Ser207=; no amino-acid change (serine 207 retained).
Molecular consequence: synonymous variant.
Genome position (GRCh38, 1-based): chr19:39,416,877, G>C. VCF-style: chr19-39416877-G-C. GRCh37 (hg19) VCF-style: chr19-39907517-G-C.
Other names: c.444G>C, p.Ser148= (NM_001351693.2); c.621G>C, p.Ser207= (NM_001351694.2).
Identifiers: ClinVar variation 750376 (VCV000750376.37), dbSNP rs141195795, ClinGen allele CA9429194.
Genomic context (GRCh38, chr19:39,416,877, plus strand): 5'-GACAATCCCCACTGACCTGTGCTGTGCCCCCAGCTCCCTGGCCCTGCTCCGGGAGCTGTC[G>C]TTGTCTCCGCCAGCAGCCCTGTGGCTGCAGGAGCGCCAGGCCCAGCTTCGCCACTCGCTG-3'
Protein context (NP_073746.2, residues 197-217): PSSLALLREL[Ser207=]LSPPAALWLQ